The following is an entry in ClinVar:

ClinVar aggregate classification (somatic clinical impact): Tier I - Strong (1 of 4 stars; one submission).

Conditions:
Pilocytic astrocytoma. Also called: Pilocytic astrocytoma, somatic. Identifiers: Orphanet 251612, MedGen C0334583, MONDO:0016691, HP:0033680.

Submission:

Institute for Genomic Medicine (IGM) Clinical Laboratory, Nationwide Children's Hospital
Classification: Tier I - Strong for Pilocytic astrocytoma. Assertion type: diagnostic. Clinical significance: supports diagnosis. Last evaluated: 2022-11-02. Review status: criteria provided, single submitter. Criteria: AMP/ASCO/CAP Guidelines, 2017. Collection method: clinical testing. Allele origin: somatic. Affected: yes.
Comment: Variant has Tier I (strong) clinical significance as a diagnostic inclusion criterion in pilocytic astrocytoma, based on the following evidence: 1) Appears in one or more well-established professional guidelines (e.g., World Health Organization [WHO]; National Comprehensive Cancer Network [NCCN]) as providing diagnostic, prognostic, or therapeutic information. 2) Information in the literature supports potential biologic effect of variant. 3) Diagnostic for a specific tumor type/classification based on well-powered studies with expert-level consensus (Evidence Level B; PMIDs: 23222849, 1568247, 28912153, 32055852, 27263935, 22155606).

Literature cited by the submitters: PubMed 23222849; PubMed 1568247; PubMed 28912153; PubMed 32055852; PubMed 27263935; PubMed 22155606.

NM_001042492.3(NF1):c.5030_5060del (p.Val1677fs)

Gene: NF1 (neurofibromin 1; plus strand). Cytogenetic location: 17q11.2.
Variant type: Deletion.
Coding change: c.5030_5060del on transcript NM_001042492.3 (MANE Select); coding-DNA positions 5030 to 5060, 31 bases deleted.
Protein change: p.Val1677fs; shifts the reading frame from valine 1677.
Molecular consequence: frameshift variant.
Genome position (GRCh38, 1-based): chr17:31,326,014-31,326,044, 31 bases deleted; deleting any 31 consecutive bases within chr17:31,326,011-31,326,044 gives the same sequence; the c. name uses the placement nearest the transcript's 3' end. GRCh37 (hg19): chr17:29,653,032-29,653,062.
Other names: c.4967_4997del, p.Val1656fs (NM_000267.4); short protein forms V1656fs, V1677fs.
Identifiers: ClinVar variation 4530423 (VCV004530423.1).